The following is an entry in ClinVar:

NM_019032.6(ADAMTSL4):c.445C>T (p.Arg149Ter)

Genes: ADAMTSL4 (ADAMTS like 4; plus strand), ADAMTSL4-AS2 (ADAMTSL4 antisense RNA 2; minus strand). Cytogenetic location: 1q21.2.
Variant type: single nucleotide variant.
Coding change: c.445C>T on transcript NM_019032.6 (MANE Select); coding-DNA position 445, C replaced by T.
Protein change: p.Arg149Ter; replaces arginine 149 with a stop codon.
Molecular consequence: nonsense.
Genome position (GRCh38, 1-based): chr1:150,553,436, C>T. VCF-style: chr1-150553436-C-T. GRCh37 (hg19) VCF-style: chr1-150525912-C-T.
Other names: c.445C>T, p.Arg149Ter (NM_001288607.2, NM_001288608.2, NM_001378596.1 and 1 more transcripts); short protein forms R149*.
Identifiers: ClinVar variation 1899209 (VCV001899209.5), dbSNP rs1013280478, ClinGen allele CA30066459.

ClinVar aggregate classification (germline): Pathogenic (1 of 4 stars; one submission).

Allele frequency attached by ClinVar (database versions not stated): gnomAD 0.00001; gnomAD exomes 0.00001.

Submission:

Labcorp Genetics (formerly Invitae), Labcorp
Classification: Pathogenic. Last evaluated: 2025-10-29. Review status: criteria provided, single submitter. Criteria: Invitae Variant Classification Sherloc (09022015). Collection method: clinical testing. Allele origin: germline.
Comment: This sequence change creates a premature translational stop signal (p.Arg149*) in the ADAMTSL4 gene. It is expected to result in an absent or disrupted protein product. Loss-of-function variants in ADAMTSL4 are known to be pathogenic (PMID: 20564469, 28642162). This variant is present in population databases (no rsID available, gnomAD 0.003%). This variant has not been reported in the literature in individuals affected with ADAMTSL4-related conditions. ClinVar contains an entry for this variant (Variation ID: 1899209). Algorithms developed to predict the effect of sequence changes on RNA splicing suggest that this variant may disrupt the consensus splice site. For these reasons, this variant has been classified as Pathogenic.

Literature cited by the submitters: PubMed 20564469; PubMed 28642162.